The following is an entry in ClinVar:

ClinVar aggregate classification (germline): Uncertain significance (1 of 4 stars; one submission).

Conditions:
Saldino-Mainzer syndrome (SRTD9). Also called: CONORENAL SYNDROME; Renal dysplasia, retinal pigmentary dystrophy, cerebellar ataxia and skeletal dysplasia; SHORT-RIB THORACIC DYSPLASIA 9 WITHOUT POLYDACTYLY; short-rib thoracic dysplasia 9 with or without polydactyly. Identifiers: Orphanet 140969, MedGen C1849437, MONDO:0009964, OMIM 266920.

Submission:

Labcorp Genetics (formerly Invitae), Labcorp
Classification: Uncertain significance for Saldino-Mainzer syndrome. Last evaluated: 2022-11-22. Review status: criteria provided, single submitter. Criteria: Invitae Variant Classification Sherloc (09022015). Collection method: clinical testing. Allele origin: germline.
Comment: This variant has not been reported in the literature in individuals affected with IFT140-related conditions. This variant is not present in population databases (gnomAD no frequency). This sequence change replaces asparagine, which is neutral and polar, with aspartic acid, which is acidic and polar, at codon 1410 of the IFT140 protein (p.Asn1410Asp). Advanced modeling of protein sequence and biophysical properties (such as structural, functional, and spatial information, amino acid conservation, physicochemical variation, residue mobility, and thermodynamic stability) performed at Invitae indicates that this missense variant is not expected to disrupt IFT140 protein function. In summary, the available evidence is currently insufficient to determine the role of this variant in disease. Therefore, it has been classified as a Variant of Uncertain Significance.

NM_014714.4(IFT140):c.4228A>G (p.Asn1410Asp)

Gene: IFT140 (intraflagellar transport 140; minus strand). Cytogenetic location: 16p13.3.
Variant type: single nucleotide variant.
Coding change: c.4228A>G on transcript NM_014714.4 (MANE Select); coding-DNA position 4228, A replaced by G.
Protein change: p.Asn1410Asp; replaces asparagine 1410 with aspartic acid.
Molecular consequence: missense variant.
Genome position (GRCh38, 1-based): chr16:1,511,105, T>C on the plus strand (A>G on the coding strand, the complement: IFT140 is on the minus strand). VCF-style: chr16-1511105-T-C. GRCh37 (hg19) VCF-style: chr16-1561106-T-C.
Other names: short protein forms N1410D.
Identifiers: ClinVar variation 2011120 (VCV002011120.4), dbSNP rs763649352, ClinGen allele CA394222501.